The following is an entry in ClinVar:

ClinVar aggregate classification (germline): Uncertain significance (1 of 4 stars; one submission).

Conditions:
Macular degeneration, age-related, 3 (ARMD3). Identifiers: Orphanet 280598, MedGen C1837187, MONDO:0012145, OMIM 608895.

Submission:

Dasa
Classification: Uncertain significance for Macular degeneration, age-related, 3. Last evaluated: 2026-01-08. Review status: criteria provided, single submitter. Criteria: DASA Assertion Criteria. Collection method: clinical testing. Allele origin: germline.
Comment: NM_001384160.1(FBLN5):c.1291G>A (p.Gly431Arg) is a missense variant that results in the substitution of glycine with arginine. This variant is rare in population databases. Computational prediction algorithms are consistent with a benign effect. The currently available literature and clinical evidence are not sufficient to establish a definitive association between this variant and the reported condition. Therefore, this variant is classified as a variant of uncertain significance.

NM_006329.4(FBLN5):c.1186-3185G>A

Gene: FBLN5 (fibulin 5; minus strand). Cytogenetic location: 14q32.12.
Variant type: single nucleotide variant.
Coding change: c.1186-3185G>A on transcript NM_006329.4 (MANE Select); 3185 bases into the intron before coding-DNA position 1186, G replaced by A.
Molecular consequence: intron variant. On other transcripts: missense variant (2).
Genome position (GRCh38, 1-based): chr14:91,873,570, C>T on the plus strand (G>A on the coding strand, the complement: FBLN5 is on the minus strand). VCF-style: chr14-91873570-C-T. GRCh37 (hg19) VCF-style: chr14-92339914-C-T.
Other names: c.1291G>A, p.Gly431Arg (NM_001384160.1); c.1123G>A, p.Gly375Arg (NM_001384161.1); c.1309-3185G>A (NM_001384158.1); c.1018-3185G>A (NM_001384162.1); c.1237-3185G>A (NM_001384159.1); short protein forms G375R, G431R.
Identifiers: ClinVar variation 4882972 (VCV004882972.2).